The following is an entry in ClinVar:

NM_001256715.2(DNAAF3):c.6C>T (p.Thr2=)

Genes: DNAAF3 (dynein axonemal assembly factor 3; minus strand), DNAAF3-AS1 (DNAAF3 antisense RNA 1; plus strand). Cytogenetic location: 19q13.42.
Variant type: single nucleotide variant.
Coding change: c.6C>T on transcript NM_001256715.2 (MANE Select); coding-DNA position 6, C replaced by T.
Protein change: p.Thr2=; no amino-acid change (threonine 2 retained).
Molecular consequence: synonymous variant. On other transcripts: 5 prime UTR variant (1).
Genome position (GRCh38, 1-based): chr19:55,166,408, G>A on the plus strand (C>T on the coding strand, the complement: DNAAF3 is on the minus strand). VCF-style: chr19-55166408-G-A. GRCh37 (hg19) VCF-style: chr19-55677776-G-A.
Other names: p.Thr49=; c.147C>T, p.Thr49= (NM_001256714.1, NM_178837.4); c.-233C>T (NM_001256716.2).
Identifiers: ClinVar variation 238684 (VCV000238684.50), dbSNP rs150362958, ClinGen allele CA9668277.
Genomic context (GRCh38, chr19:55,166,408, plus strand): 5'-CGCCGGGGACAGGCCCCACCAGGACACGGAGCCGAAGCCGCTGCCGGAGCCGGCAGGTGT[G>A]GTCATCACCCTGCGGAAAAGACATTCTGGGAATCGCACACATTGCCCGCCCCGCTCCCCT-3'
Protein context (NP_001243644.1, residues 1-12): M[Thr2=]TPAGSGSGFG

ClinVar aggregate classification (germline): Benign/Likely benign. Review status: criteria provided, multiple submitters, no conflicts (2 of 4 stars). 9 submissions from 9 submitters: Benign (7); Likely benign (2). Last evaluated 2026-07-01.

Conditions:
Primary ciliary dyskinesia. Also called: Ciliary dyskinesia. Identifiers: Orphanet 244, MedGen C0008780, MONDO:0016575, HP:0012265.
Primary ciliary dyskinesia 2. Also called: CILIARY DYSKINESIA, PRIMARY, 2, WITH OR WITHOUT SITUS INVERSUS. Identifiers: Orphanet 244, MedGen C1847554, MONDO:0011718, OMIM 606763.

Allele frequency attached by ClinVar (database versions not stated): 1000 Genomes Project 0.00359; TOPMed 0.00784; gnomAD exomes 0.00789; gnomAD 0.00827 and 0.00844; ExAC 0.00849; ESP Exome Variant Server 0.01111; 1000 Genomes Project 30x 0.00344.
gnomAD v4.1: 19,062 of 1,613,794 alleles (1.2%); highest among the groups gnomAD compares: Non-Finnish European, 1.5%; 131 homozygotes.

Submissions (9):

CeGaT Center for Human Genetics Tuebingen
Classification: Benign. Last evaluated: 2026-07-01. Review status: criteria provided, single submitter. Criteria: CeGaT Center For Human Genetics Tuebingen Variant Classification Criteria Version 2. Collection method: clinical testing. Allele origin: germline. Affected: yes. Observed: 11 variant alleles.
Comment: DNAAF3: BP4, BP7, BS1, BS2

Labcorp Genetics (formerly Invitae), Labcorp
Classification: Benign for Primary ciliary dyskinesia. Last evaluated: 2026-02-01. Review status: criteria provided, single submitter. Criteria: Invitae Variant Classification Sherloc (09022015). Collection method: clinical testing. Allele origin: germline.

ARUP Laboratories, Molecular Genetics and Genomics, ARUP Laboratories
Classification: Benign for Primary ciliary dyskinesia 2. Last evaluated: 2025-07-28. Review status: criteria provided, single submitter. Criteria: ARUP Molecular Germline Variant Investigation Process 2024. Collection method: clinical testing. Allele origin: germline.

Mayo Clinic Laboratories, Mayo Clinic
Classification: Benign. Last evaluated: 2024-08-23. Review status: criteria provided, single submitter. Criteria: ACMG Guidelines, 2015. Collection method: clinical testing. Allele origin: germline. Observed: 6 variant alleles.
Comment: BS1, BS2, BP4, BP7

GeneDx
Classification: Likely benign. Last evaluated: 2020-07-28. Review status: criteria provided, single submitter. Criteria: GeneDx Variant Classification Process June 2021. Collection method: clinical testing. Allele origin: germline. Affected: yes.

Ambry Genetics
Classification: Benign for Primary ciliary dyskinesia. Last evaluated: 2019-03-18. Review status: criteria provided, single submitter. Criteria: Ambry Variant Classification Scheme 2023. Collection method: clinical testing. Allele origin: germline.

Laboratory for Molecular Medicine, Mass General Brigham Personalized Medicine
Classification: Benign. Last evaluated: 2016-03-28. Review status: criteria provided, single submitter. Criteria: LMM Criteria. Collection method: clinical testing. Allele origin: germline.
Comment: Variant identified in a genome or exome case(s) and assessed due to predicted null impact of the variant or pathogenic assertions in the literature or databases. Disclaimer: This variant has not undergone full assessment. The following are preliminary notes: Frequency

Breakthrough Genomics
Classification: Likely benign. Review status: criteria provided, single submitter. Criteria: ACMG Guidelines, 2015. Collection method: not provided. Allele origin: germline. Inheritance: Autosomal recessive inheritance. Affected: yes.

PreventionGenetics, part of Exact Sciences
Classification: Benign. Review status: criteria provided, single submitter. Criteria: ACMG Guidelines, 2015. Collection method: clinical testing. Allele origin: germline.